The following is an entry in ClinVar:

ClinVar aggregate classification (germline): Uncertain significance (1 of 4 stars; one submission).

gnomAD v4.1: 32 of 1,611,890 alleles (0.002%); highest among the groups gnomAD compares: East Asian, 0.0089%; no homozygotes.

Submission:

Labcorp Genetics (formerly Invitae), Labcorp
Classification: Uncertain significance. Last evaluated: 2022-08-09. Review status: criteria provided, single submitter. Criteria: Invitae Variant Classification Sherloc (09022015). Collection method: clinical testing. Allele origin: germline.
Comment: In summary, the available evidence is currently insufficient to determine the role of this variant in disease. Therefore, it has been classified as a Variant of Uncertain Significance. Variants that disrupt the consensus splice site are a relatively common cause of aberrant splicing (PMID: 17576681, 9536098). Algorithms developed to predict the effect of sequence changes on RNA splicing suggest that this variant is not likely to affect RNA splicing. This variant has not been reported in the literature in individuals affected with DFNA5-related conditions. This variant is present in population databases (rs755221661, gnomAD 0.01%). This sequence change falls in intron 4 of the DFNA5 gene. It does not directly change the encoded amino acid sequence of the DFNA5 protein. It affects a nucleotide within the consensus splice site.

Literature cited by the submitters: PubMed 17576681; PubMed 9536098.

NM_001127453.2(GSDME):c.576+4C>T

Genes: GSDME (gasdermin E; minus strand), LOC129998098 (ATAC-STARR-seq lymphoblastoid active region 25750; plus strand). Cytogenetic location: 7p15.3.
Variant type: single nucleotide variant.
Coding change: c.576+4C>T on transcript NM_001127453.2 (MANE Select); 4 bases into the intron after coding-DNA position 576, C replaced by T.
Molecular consequence: intron variant.
Genome position (GRCh38, 1-based): chr7:24,719,043, G>A on the plus strand (C>T on the coding strand, the complement: GSDME is on the minus strand). VCF-style: chr7-24719043-G-A. GRCh37 (hg19) VCF-style: chr7-24758662-G-A.
Other names: c.84+4C>T (NM_001127454.2); c.576+4C>T (NM_004403.3).
Identifiers: ClinVar variation 1906928 (VCV001906928.5), dbSNP rs755221661, ClinGen allele CA4191703.